The following is an entry in ClinVar:

ClinVar aggregate classification (germline): Likely pathogenic. Review status: criteria provided, multiple submitters, no conflicts (2 of 4 stars). 2 submissions from 2 submitters: Likely pathogenic (2). Last evaluated 2026-09-01.

Conditions:
Autosomal recessive limb-girdle muscular dystrophy type 2J (LGMDR10). Also called: MUSCULAR DYSTROPHY, LIMB-GIRDLE, AUTOSOMAL RECESSIVE 10; Limb-girdle muscular dystrophy, type 2J. Identifiers: Orphanet 140922, MedGen C1837342, MONDO:0012127, OMIM 608807.
Dilated cardiomyopathy 1G (CMD1G). Identifiers: Orphanet 154, MedGen C1858763, MONDO:0011400, OMIM 604145.

Submissions (2):

CeGaT Center for Human Genetics Tuebingen
Classification: Likely pathogenic. Last evaluated: 2026-09-01. Review status: criteria provided, single submitter. Criteria: CeGaT Center For Human Genetics Tuebingen Variant Classification Criteria Version 2. Collection method: clinical testing. Allele origin: germline. Affected: yes. Observed: 2 variant alleles.
Comment: TTN: PVS1:Strong, PM2

Labcorp Genetics (formerly Invitae), Labcorp
Classification: Likely pathogenic for Dilated cardiomyopathy 1G; Autosomal recessive limb-girdle muscular dystrophy type 2J. Last evaluated: 2025-11-20. Review status: criteria provided, single submitter. Criteria: Invitae Variant Classification Sherloc (09022015). Collection method: clinical testing. Allele origin: germline.
Comment: This sequence change creates a premature translational stop signal (p.Val32102Serfs*3) in the TTN gene. While this is not anticipated to result in nonsense mediated decay, it is expected to create a truncated TTN protein. This variant is not present in population databases (gnomAD no frequency). This variant has not been reported in the literature in individuals affected with TTN-related conditions. ClinVar contains an entry for this variant (Variation ID: 956976). This variant is located in the A band of TTN (PMID: 25589632). Truncating variants in this region are significantly overrepresented in patients affected with dilated cardiomyopathy (PMID: 25589632). Truncating variants in this region have also been reported in individuals affected with autosomal recessive centronuclear myopathy (PMID: 23975875). In summary, the currently available evidence indicates that the variant is pathogenic, but additional data are needed to prove that conclusively. Therefore, this variant has been classified as Likely Pathogenic.

Literature cited by the submitters: PubMed 25589632 (cited by Labcorp Genetics (formerly Invitae), Labcorp); PubMed 23975875 (cited by Labcorp Genetics (formerly Invitae), Labcorp).

NM_001267550.2(TTN):c.96303dup (p.Val32102fs)

Genes: TTN-AS1 (TTN antisense RNA 1; plus strand), TTN (titin; minus strand), LOC126806421 (CDK7 strongly-dependent group 2 enhancer GRCh37_chr2:179407630-179408829; plus strand). Cytogenetic location: 2q31.2.
Variant type: Duplication.
Coding change: c.96303dup on transcript NM_001267550.2 (MANE Select); coding-DNA position 96303, one base duplicated (A; older notation c.96303dupA).
Protein change: p.Val32102fs; shifts the reading frame from valine 32102.
Molecular consequence: frameshift variant.
Genome position (GRCh38, 1-based): chr2:178,543,841, T duplicated on the plus strand (A on the coding strand, the reverse complement: TTN is on the minus strand); the first of 3 consecutive T bases (chr2:178,543,841-178,543,843); duplicating any one gives the same sequence. VCF-style (leftmost placement, unchanged base first): chr2-178543840-C-CT. GRCh37 (hg19) VCF-style: chr2-179408567-C-CT.
Other names: c.91380dup, p.Val30461fs (NM_001256850.1); c.69108dup, p.Val23037fs (NM_003319.4); c.88599dup, p.Val29534fs (NM_133378.4); c.69483dup, p.Val23162fs (NM_133432.3); c.69684dup, p.Val23229fs (NM_133437.4); short protein forms V23037fs, V29534fs, V30461fs, V23162fs, V23229fs, V32102fs.
Identifiers: ClinVar variation 956976 (VCV000956976.11), dbSNP rs1695788718, ClinGen allele CA1139657377.